The following is an entry in ClinVar:

NM_003742.4(ABCB11):c.3048T>G (p.Tyr1016Ter)

Gene: ABCB11 (ATP binding cassette subfamily B member 11; minus strand). Cytogenetic location: 2q31.1.
Variant type: single nucleotide variant.
Coding change: c.3048T>G on transcript NM_003742.4 (MANE Select); coding-DNA position 3048, T replaced by G.
Protein change: p.Tyr1016Ter; replaces tyrosine 1016 with a stop codon.
Molecular consequence: nonsense.
Genome position (GRCh38, 1-based): chr2:168,935,192, A>C on the plus strand (T>G on the coding strand, the complement: ABCB11 is on the minus strand). VCF-style: chr2-168935192-A-C. GRCh37 (hg19) VCF-style: chr2-169791702-A-C.
Other names: short protein forms Y1016*.
Identifiers: ClinVar variation 4884785 (VCV004884785.1).

ClinVar aggregate classification (germline): Pathogenic (0 of 4 stars; one submission).

Conditions:
Progressive familial intrahepatic cholestasis type 2. Identifiers: Orphanet 79304, MedGen C3489789, MONDO:0011156, OMIM 601847.

Submission:

Hong-Tao Li Lab, Institute of Brain Science and Brain-inspired Research, Shandong First Medical University & Shandong Academy of Medical Sciences China
Classification: Pathogenic for Progressive familial intrahepatic cholestasis type 2. Review status: no assertion criteria provided. Collection method: research. Allele origin: germline. Inheritance: Autosomal recessive inheritance. Affected: yes. Observed: 1 variant allele, 1 homozygote.
Comment: Observed in affected individuals from a Pakistani neurodevelopmental-disorder research cohort of 263 individuals. Classification assigned using the ACMG/AMP framework.